The following is an entry in ClinVar:

NM_006019.4(TCIRG1):c.1037dup (p.Ser346fs)

Gene: TCIRG1 (T cell immune regulator 1, ATPase H+ transporting V0 subunit a3; plus strand). Cytogenetic location: 11q13.2.
Variant type: Duplication.
Coding change: c.1037dup on transcript NM_006019.4 (MANE Select); coding-DNA position 1037, one base duplicated (G; older notation c.1037dupG).
Protein change: p.Ser346fs; shifts the reading frame from serine 346.
Molecular consequence: frameshift variant. On other transcripts: intron variant (1).
Genome position (GRCh38, 1-based): chr11:68,044,974, G duplicated. VCF-style (leftmost placement, unchanged base first): chr11-68044973-A-AG. GRCh37 (hg19) VCF-style: chr11-67812440-A-AG.
Other names: c.143dup, p.Ser48fs (NM_001351059.2); c.1037dup, p.Ser346fs (NM_001440552.1, NM_001440553.1, NM_001440554.1 and 2 more transcripts); c.995dup, p.Ser332fs (NM_001440555.1, NM_001440556.1, NM_001440563.1); c.824dup, p.Ser275fs (NM_001440559.1, NM_001440560.1, NM_001440561.1 and 3 more transcripts); c.782dup, p.Ser261fs (NM_001440564.1); c.737dup, p.Ser246fs (NM_001440565.1); c.569dup, p.Ser190fs (NM_001440568.1); c.389dup, p.Ser130fs (NM_006053.4); and 1 more; short protein forms S130fs, S190fs, S246fs, S261fs, S275fs, S332fs, S346fs, S48fs.
Identifiers: ClinVar variation 5011802 (VCV005011802.1).

ClinVar aggregate classification (germline): Pathogenic (1 of 4 stars; one submission).

Conditions:
Autosomal recessive osteopetrosis 1. Also called: ALBERS-SCHONBERG DISEASE, AUTOSOMAL RECESSIVE; TCIRG1-Related Autosomal Recessive Osteopetrosis; TCIRG1-Related Osteopetrosis. Identifiers: Orphanet 667, MedGen C1850127, MONDO:0009815, OMIM 259700.

Submission:

Myriad Genetics, Inc.
Classification: Pathogenic for Autosomal recessive osteopetrosis 1. Last evaluated: 2023-09-27. Review status: criteria provided, single submitter. Criteria: Myriad Autosomal Dominant, Autosomal Recessive and X-Linked Classification Criteria (2023). Collection method: clinical testing. Allele origin: unknown.
Comment: NM_006019.3(TCIRG1):c.1037dupG(S346Rfs*144) is expected to be pathogenic in the context of autosomal recessive osteopetrosis type 1. This variant is predicted to lead to an abnormal or absent protein product due to the creation of a premature termination codon in TCIRG1, a gene where loss-of-function variants are known to be pathogenic. Please note: this variant was assessed in the context of healthy population screening.